The following is an entry in ClinVar:

NM_144687.4(NLRP12):c.748A>T (p.Ile250Phe)

Gene: NLRP12 (NLR family pyrin domain containing 12; minus strand). Cytogenetic location: 19q13.42.
Variant type: single nucleotide variant.
Coding change: c.748A>T on transcript NM_144687.4 (MANE Select); coding-DNA position 748, A replaced by T.
Protein change: p.Ile250Phe; replaces isoleucine 250 with phenylalanine.
Molecular consequence: missense variant.
Genome position (GRCh38, 1-based): chr19:53,810,911, T>A on the plus strand (A>T on the coding strand, the complement: NLRP12 is on the minus strand). VCF-style: chr19-53810911-T-A. GRCh37 (hg19) VCF-style: chr19-54314165-T-A.
Other names: c.748A>T, p.Ile250Phe (NM_001277126.2, NM_001277129.1); short protein forms I250F.
Identifiers: ClinVar variation 1348618 (VCV001348618.8), dbSNP rs2092061524, ClinGen allele CA407415894.
Genomic context (GRCh38, chr19:53,810,911, plus strand): 5'-TGAAGATGAGGTCTTGCATGCTGCATTCCGTGGCACTCTGGTTCATCTCCCTGCAGTTGA[T>A]GTAGAAGAGATAATCAAATCTGCCTTGGAAGAGCTTCCCGTCCGCCCAGTCCAGCATCAC-3'
Protein context (NP_653288.1, residues 240-260): FQGRFDYLFY[Ile250Phe]NCREMNQSAT

ClinVar aggregate classification (germline): Uncertain significance (1 of 4 stars; one submission).

Conditions:
Familial cold autoinflammatory syndrome 2 (FCAS2). Identifiers: Orphanet 247868, MedGen C2673198, MONDO:0012724, OMIM 611762.

gnomAD v4.1: 1 of 1,614,092 alleles (0.000062%); highest among the groups gnomAD compares: Non-Finnish European, 0.000085%; no homozygotes.

Submission:

Labcorp Genetics (formerly Invitae), Labcorp
Classification: Uncertain significance for Familial cold autoinflammatory syndrome 2. Last evaluated: 2021-03-08. Review status: criteria provided, single submitter. Criteria: Invitae Variant Classification Sherloc (09022015). Collection method: clinical testing. Allele origin: germline.
Comment: This sequence change replaces isoleucine with phenylalanine at codon 250 of the NLRP12 protein (p.Ile250Phe). The isoleucine residue is highly conserved and there is a small physicochemical difference between isoleucine and phenylalanine. This variant is not present in population databases (ExAC no frequency). This variant has not been reported in the literature in individuals with NLRP12-related conditions. Algorithms developed to predict the effect of missense changes on protein structure and function are either unavailable or do not agree on the potential impact of this missense change (SIFT: "Deleterious"; PolyPhen-2: "Possibly Damaging"; Align-GVGD: "Class C0"). In summary, the available evidence is currently insufficient to determine the role of this variant in disease. Therefore, it has been classified as a Variant of Uncertain Significance.